The following is an entry in ClinVar:

ClinVar aggregate classification (germline): Benign/Likely benign. Review status: criteria provided, multiple submitters, no conflicts (2 of 4 stars). 7 submissions from 7 submitters: Benign (5); Likely benign (1). 1 of the submissions does not count toward it. Last evaluated 2026-02-16.

Conditions:
Cardiomyopathy (CMYO). Also called: Cardiomyopathies. Identifiers: Orphanet 167848, MedGen C0878544, MONDO:0004994, HP:0001638. Inheritance: Various modes of inheritance.
Cardiovascular phenotype. Identifiers: MedGen CN230736.
Arrhythmogenic right ventricular dysplasia 5. Also called: Arrhythmogenic Right Ventricular Dysplasia/Cardiomyopathy 5; ARRHYTHMOGENIC RIGHT VENTRICULAR DYSPLASIA, FAMILIAL, 5. Identifiers: MedGen C1858379, MONDO:0011459, OMIM 604400.
TMEM43-related disorder. Also called: TMEM43-related condition.

Allele frequency attached by ClinVar (database versions not stated): gnomAD exomes 0.00013; ExAC 0.00017; TOPMed 0.00040; gnomAD 0.00043 and 0.00045; ESP Exome Variant Server 0.00062; 1000 Genomes Project 30x 0.00078; 1000 Genomes Project 0.00080.
gnomAD v4.1: 122 of 1,614,150 alleles (0.0076%); highest among the groups gnomAD compares: African/African-American, 0.15%; 1 homozygote.

Submissions (7):

Women's Health and Genetics/Laboratory Corporation of America, LabCorp
Classification: Benign. Last evaluated: 2026-02-16. Review status: criteria provided, single submitter. Criteria: LabCorp Variant Classification Summary - May 2015. Collection method: clinical testing. Allele origin: germline.

Labcorp Genetics (formerly Invitae), Labcorp
Classification: Benign for Arrhythmogenic right ventricular dysplasia 5. Last evaluated: 2026-02-03. Review status: criteria provided, single submitter. Criteria: Invitae Variant Classification Sherloc (09022015). Collection method: clinical testing. Allele origin: germline.

Ambry Genetics
Classification: Likely benign for Cardiovascular phenotype. Last evaluated: 2019-03-20. Review status: criteria provided, single submitter. Criteria: Ambry Variant Classification Scheme 2023. Collection method: clinical testing. Allele origin: germline.

Color Diagnostics, LLC DBA Color Health
Classification: Benign for Cardiomyopathy. Last evaluated: 2018-12-03. Review status: criteria provided, single submitter. Criteria: ACMG Guidelines, 2015. Collection method: clinical testing. Allele origin: germline.

GeneDx
Classification: Benign. Last evaluated: 2016-03-23. Review status: criteria provided, single submitter. Criteria: GeneDx Variant Classification (06012015). Collection method: clinical testing. Allele origin: germline. Affected: yes.
Comment: This variant is considered likely benign or benign based on one or more of the following criteria: it is a conservative change, it occurs at a poorly conserved position in the protein, it is predicted to be benign by multiple in silico algorithms, and/or has population frequency not consistent with disease.

Breakthrough Genomics
Classification: Benign. Review status: criteria provided, single submitter. Criteria: ACMG Guidelines, 2015. Collection method: not provided. Allele origin: germline. Inheritance: Autosomal dominant inheritance. Affected: yes.

PreventionGenetics, part of Exact Sciences
Classification: Likely benign for TMEM43-related condition. Last evaluated: 2023-07-13. Review status: no assertion criteria provided. Collection method: clinical testing. Allele origin: germline. Not counted in ClinVar's aggregate classification.
Comment: This variant is classified as likely benign based on ACMG/AMP sequence variant interpretation guidelines (Richards et al. 2015 PMID: 25741868, with internal and published modifications).

NM_024334.3(TMEM43):c.516C>T (p.Ala172=)

Gene: TMEM43 (transmembrane protein 43; plus strand). Cytogenetic location: 3p25.1.
Variant type: single nucleotide variant.
Coding change: c.516C>T on transcript NM_024334.3 (MANE Select); coding-DNA position 516, C replaced by T.
Protein change: p.Ala172=; no amino-acid change (alanine 172 retained).
Molecular consequence: synonymous variant.
Genome position (GRCh38, 1-based): chr3:14,133,742, C>T. VCF-style: chr3-14133742-C-T. GRCh37 (hg19) VCF-style: chr3-14175242-C-T.
Identifiers: ClinVar variation 378733 (VCV000378733.20), dbSNP rs148432515, ClinGen allele CA054219.
Genomic context (GRCh38, chr3:14,133,742, plus strand): 5'-GGACCCGGGCAGCTCCCACACCGGTGCCCATCTCTGACAGCTTCCTCTCTCCCACAGTGC[C>T]ATGGCAGTGGAGTCATTCATGGCAACAGCCCCCTTTGTCCAAATTGGCAGGTTTTTCCTC-3'
Protein context (NP_077310.1, residues 162-182): DREIGHKNPS[Ala172=]MAVESFMATA